The following is an entry in ClinVar:

NM_005982.4(SIX1):c.190del (p.Arg64fs)

Gene: SIX1 (SIX homeobox 1; minus strand). Cytogenetic location: 14q23.1.
Variant type: Deletion.
Coding change: c.190del on transcript NM_005982.4 (MANE Select); coding-DNA position 190, one base deleted (C; older notation c.190delC).
Protein change: p.Arg64fs; shifts the reading frame from arginine 64.
Molecular consequence: frameshift variant.
Genome position (GRCh38, 1-based): chr14:60,649,000, G deleted on the plus strand (C on the coding strand, the reverse complement: SIX1 is on the minus strand); the first of 2 consecutive G bases (chr14:60,649,000-60,649,001); deleting either gives the same sequence. VCF-style (leftmost placement, unchanged base first): chr14-60648999-CG-C. GRCh37 (hg19) VCF-style: chr14-61115717-CG-C.
Other names: short protein forms R64fs.
Identifiers: ClinVar variation 2431911 (VCV002431911.1), dbSNP rs2502644571, ClinGen allele CA2580088303.
Genomic context (GRCh38, chr14:60,648,999, plus strand): 5'-TGCAGTTTGGGGTGGTTGTGAGGCGAGAACTGGTGGCTCTCCAGGATCTTGTAGAGCTCA[CG>C]GAAGTTGCCGCGGTGGAAGGCGACCACCGCCTTGGCCTTGAGTACGCTCTCGTTCTTGTG-3'

ClinVar aggregate classification (germline): Uncertain significance (1 of 4 stars; one submission).

Conditions:
Branchiootic syndrome 3 (BOS3). Also called: BO SYNDROME 3. Identifiers: MedGen C1842124, MONDO:0012025, OMIM 608389.

Submission:

Laboratorio de Genetica e Diagnostico Molecular, Hospital Israelita Albert Einstein
Classification: Uncertain significance for Branchiootic syndrome 3. Last evaluated: 2022-08-26. Review status: criteria provided, single submitter. Criteria: ACMG Guidelines, 2015. Collection method: clinical testing. Allele origin: germline. Affected: yes. Observed: 1 variant allele.
Comment: ACMG classification criteria: PM2 moderated